The following is an entry in ClinVar:

ClinVar aggregate classification (germline): Benign/Likely benign. Review status: criteria provided, multiple submitters, no conflicts (2 of 4 stars). 2 submissions from 2 submitters: Benign (1); Likely benign (1). Last evaluated 2024-04-29.

Conditions:
Hereditary cancer-predisposing syndrome. Also called: Hereditary Cancer Syndrome; Hereditary neoplastic syndrome; Neoplastic Syndromes, Hereditary; Tumor predisposition. Identifiers: Orphanet 140162, MedGen C0027672, MeSH D009386, MONDO:0015356.
Familial cancer of breast. Also called: BREAST CANCER, FAMILIAL; Hereditary breast cancer; hereditary breast carcinoma. Identifiers: Orphanet 227535, MedGen C0346153, MONDO:0016419, OMIM 114480. Disease mechanism: loss of function.

Submissions (2):

Myriad Genetics, Inc.
Classification: Benign for Familial cancer of breast. Last evaluated: 2024-04-29. Review status: criteria provided, single submitter. Criteria: Myriad Autosomal Dominant, Autosomal Recessive and X-Linked Classification Criteria (2023). Collection method: clinical testing. Allele origin: unknown.
Comment: This variant is considered benign. This variant is a silent/synonymous amino acid change and it is not expected to impact splicing.

Ambry Genetics
Classification: Likely benign for Hereditary cancer-predisposing syndrome. Last evaluated: 2020-07-09. Review status: criteria provided, single submitter. Criteria: Ambry Variant Classification Scheme 2023. Collection method: clinical testing. Allele origin: germline.

NM_000051.4(ATM):c.1414C>T (p.Leu472=)

Gene: ATM (ATM serine/threonine kinase; plus strand). Cytogenetic location: 11q22.3.
Variant type: single nucleotide variant.
Coding change: c.1414C>T on transcript NM_000051.4 (MANE Select); coding-DNA position 1414, C replaced by T.
Protein change: p.Leu472=; no amino-acid change (leucine 472 retained).
Molecular consequence: synonymous variant.
Genome position (GRCh38, 1-based): chr11:108,250,879, C>T. VCF-style: chr11-108250879-C-T. GRCh37 (hg19) VCF-style: chr11-108121606-C-T.
Other names: c.1414C>T, p.Leu472= (NM_001351834.2).
Identifiers: ClinVar variation 1772101 (VCV001772101.3), dbSNP rs2135322025, ClinGen allele CA476744821.